The following is an entry in ClinVar:

NM_005188.4(CBL):c.1163A>G (p.Asp388Gly)

Gene: CBL (Cbl proto-oncogene; plus strand). Cytogenetic location: 11q23.3.
Variant type: single nucleotide variant.
Coding change: c.1163A>G on transcript NM_005188.4 (MANE Select); coding-DNA position 1163, A replaced by G.
Protein change: p.Asp388Gly; replaces aspartic acid 388 with glycine.
Molecular consequence: missense variant.
Genome position (GRCh38, 1-based): chr11:119,278,233, A>G. VCF-style: chr11-119278233-A-G. GRCh37 (hg19) VCF-style: chr11-119148943-A-G.
Other names: short protein forms D388G.
Identifiers: ClinVar variation 1303928 (VCV001303928.8), dbSNP rs2135303762, ClinGen allele CA382912619.

ClinVar aggregate classification (germline): Uncertain significance. Review status: criteria provided, multiple submitters, no conflicts (2 of 4 stars). 4 submissions from 4 submitters: Uncertain significance (4). Last evaluated 2023-12-26.

Conditions:
Juvenile myelomonocytic leukemia (JMML). Also called: LEUKEMIA, JUVENILE MYELOMONOCYTIC, SOMATIC. Identifiers: Orphanet 86834, MedGen C0349639, MONDO:0011908, OMIM 607785, HP:0012209.
CBL-related disorder. Also called: CBL MUTATION-ASSOCIATED SYNDROME; CBL SYNDROME; NOONAN SYNDROME-LIKE DISORDER WITHOUT JUVENILE MYELOMONOCYTIC LEUKEMIA. Identifiers: Orphanet 363972, MedGen C3150803, MONDO:0013308, OMIM 613563.
RASopathy. Also called: rasopathies; Noonan spectrum disorder. Identifiers: Orphanet 536391, MedGen C5555857, MONDO:0021060.

Allele frequency attached by ClinVar (database versions not stated): gnomAD exomes below 0.00001.
gnomAD v4.1: 5 of 1,612,768 alleles (0.00031%); highest among the groups gnomAD compares: Non-Finnish European, 0.00042%; no homozygotes.

Submissions (4):

Labcorp Genetics (formerly Invitae), Labcorp
Classification: Uncertain significance for RASopathy. Last evaluated: 2023-12-26. Review status: criteria provided, single submitter. Criteria: Invitae Variant Classification Sherloc (09022015). Collection method: clinical testing. Allele origin: germline.
Comment: This sequence change replaces aspartic acid, which is acidic and polar, with glycine, which is neutral and non-polar, at codon 388 of the CBL protein (p.Asp388Gly). This variant is not present in population databases (gnomAD no frequency). This variant has not been reported in the literature in individuals affected with CBL-related conditions. ClinVar contains an entry for this variant (Variation ID: 1303928). Advanced modeling of protein sequence and biophysical properties (such as structural, functional, and spatial information, amino acid conservation, physicochemical variation, residue mobility, and thermodynamic stability) performed at Invitae indicates that this missense variant is expected to disrupt CBL protein function with a positive predictive value of 80%. In summary, the available evidence is currently insufficient to determine the role of this variant in disease. Therefore, it has been classified as a Variant of Uncertain Significance.

AiLife Diagnostics
Classification: Uncertain significance. Last evaluated: 2022-02-13. Review status: criteria provided, single submitter. Criteria: ACMG Guidelines, 2015. Collection method: clinical testing. Allele origin: germline. Affected: yes. Observed: 1 variant allele.

Fulgent Genetics
Classification: Uncertain significance for Juvenile myelomonocytic leukemia; CBL-related disorder. Last evaluated: 2021-08-23. Review status: criteria provided, single submitter. Criteria: ACMG Guidelines, 2015. Collection method: clinical testing. Allele origin: unknown.

GeneDx
Classification: Uncertain significance. Last evaluated: 2020-12-08. Review status: criteria provided, single submitter. Criteria: GeneDx Variant Classification Process June 2021. Collection method: clinical testing. Allele origin: germline. Affected: yes.
Comment: Not observed in large population cohorts (Lek et al., 2016); In silico analysis supports that this missense variant has a deleterious effect on splicing; In silico analysis supports that this missense variant has a deleterious effect on protein structure/function; Has not been previously published as pathogenic or benign to our knowledge